The following is an entry in ClinVar:

NM_017570.5(OPLAH):c.1897G>A (p.Asp633Asn)

Gene: OPLAH (5-oxoprolinase, ATP-hydrolysing; minus strand). Cytogenetic location: 8q24.3.
Variant type: single nucleotide variant.
Coding change: c.1897G>A on transcript NM_017570.5 (MANE Select); coding-DNA position 1897, G replaced by A.
Protein change: p.Asp633Asn; replaces aspartic acid 633 with asparagine.
Molecular consequence: missense variant.
Genome position (GRCh38, 1-based): chr8:144,056,471, C>T on the plus strand (G>A on the coding strand, the complement: OPLAH is on the minus strand). VCF-style: chr8-144056471-C-T. GRCh37 (hg19) VCF-style: chr8-145111374-C-T.
Other names: c.1897G>A (NM_017570.3); short protein forms D633N.
Identifiers: ClinVar variation 2047215 (VCV002047215.5), dbSNP rs374664743, ClinGen allele CA4931670.

ClinVar aggregate classification (germline): Uncertain significance. Review status: criteria provided, multiple submitters, no conflicts (2 of 4 stars). 3 submissions from 3 submitters: Uncertain significance (3). Last evaluated 2025-10-31.

Conditions:
5-Oxoprolinase deficiency (OPLAHD). Also called: 5-OXOPROLINURIA DUE TO 5-OXOPROLINASE DEFICIENCY. Identifiers: Orphanet 33572, MedGen C0268525, MONDO:0009825, OMIM 260005, HP:0040142.

Allele frequency attached by ClinVar (database versions not stated): ExAC 0.00001; gnomAD 0.00001; TOPMed 0.00001; gnomAD exomes 0.00003; ESP Exome Variant Server 0.00008; 1000 Genomes Project 30x 0.00016.

Submissions (3):

Labcorp Genetics (formerly Invitae), Labcorp
Classification: Uncertain significance for 5-Oxoprolinase deficiency. Last evaluated: 2025-10-31. Review status: criteria provided, single submitter. Criteria: Invitae Variant Classification Sherloc (09022015). Collection method: clinical testing. Allele origin: germline.
Comment: This sequence change replaces aspartic acid, which is acidic and polar, with asparagine, which is neutral and polar, at codon 633 of the OPLAH protein (p.Asp633Asn). This variant is present in population databases (rs374664743, gnomAD 0.003%). This variant has not been reported in the literature in individuals affected with OPLAH-related conditions. ClinVar contains an entry for this variant (Variation ID: 2047215). An algorithm developed to predict the effect of missense changes on protein structure and function outputs the following: PolyPhen-2: "Benign". The asparagine amino acid residue is found in multiple mammalian species, which suggests that this missense change does not adversely affect protein function. In summary, the available evidence is currently insufficient to determine the role of this variant in disease. Therefore, it has been classified as a Variant of Uncertain Significance.

Fulgent Genetics
Classification: Uncertain significance for 5-Oxoprolinase deficiency. Last evaluated: 2024-04-04. Review status: criteria provided, single submitter. Criteria: ACMG Guidelines, 2015. Collection method: clinical testing. Allele origin: germline.

Ambry Genetics
Classification: Uncertain significance. Last evaluated: 2023-08-28. Review status: criteria provided, single submitter. Criteria: Ambry Variant Classification Scheme 2023. Collection method: clinical testing. Allele origin: germline.